The following is an entry in ClinVar:

ClinVar aggregate classification (germline): Uncertain significance (1 of 4 stars; one submission).

Submission:

Dasa
Classification: Uncertain significance. Last evaluated: 2024-11-06. Review status: criteria provided, single submitter. Criteria: DASA Assertion Criteria. Collection method: clinical testing. Allele origin: germline.
Comment: NM_000170.3(GLDC):c.2249T>C (p.Leu750Pro) is a missense variant that results in the substitution of leucine with proline. This variant is absent from population databases. Computational prediction algorithms are consistent with a deleterious effect. The currently available literature and clinical evidence are not sufficient to establish a definitive association between this variant and the reported condition. Therefore, this variant is classified as a variant of uncertain significance.

NM_000170.3(GLDC):c.2249T>C (p.Leu750Pro)

Gene: GLDC (glycine decarboxylase; minus strand). Cytogenetic location: 9p24.1.
Variant type: single nucleotide variant.
Coding change: c.2249T>C on transcript NM_000170.3 (MANE Select); coding-DNA position 2249, T replaced by C.
Protein change: p.Leu750Pro; replaces leucine 750 with proline.
Molecular consequence: missense variant.
Genome position (GRCh38, 1-based): chr9:6,554,735, A>G on the plus strand (T>C on the coding strand, the complement: GLDC is on the minus strand). VCF-style: chr9-6554735-A-G. GRCh37 (hg19) VCF-style: chr9-6554735-A-G.
Other names: short protein forms L750P.
Identifiers: ClinVar variation 4881534 (VCV004881534.2).
Genomic context (GRCh38, chr9:6,554,735, plus strand): 5'-ATGGGCCCCATGCCAGGACCACCTCCTCCGTGGGGAATGCAGAAGGTCTTGTGAAGATTT[A>G]GGTGCGAGACATCAGACCCGAAGTCTCCAGGGCGACAGATTCCCACCTACCACAAAGGCA-3'
Protein context (NP_000161.2, residues 740-760): PGDFGSDVSH[Leu750Pro]NLHKTFCIPH